The following is an entry in ClinVar:

NM_005654.6(NR2F1):c.274A>T (p.Lys92Ter)

Genes: NR2F1 (nuclear receptor subfamily 2 group F member 1; plus strand), NR2F1-AS1 (NR2F1 regulatory antisense RNA 1; minus strand). Cytogenetic location: 5q15.
Variant type: single nucleotide variant.
Coding change: c.274A>T on transcript NM_005654.6 (MANE Select); coding-DNA position 274, A replaced by T.
Protein change: p.Lys92Ter; replaces lysine 92 with a stop codon.
Molecular consequence: nonsense.
Genome position (GRCh38, 1-based): chr5:93,585,297, A>T. VCF-style: chr5-93585297-A-T. GRCh37 (hg19) VCF-style: chr5-92921003-A-T.
Other names: short protein forms K92*.
Identifiers: ClinVar variation 3254585 (VCV003254585.1), dbSNP rs1753210791.
Genomic context (GRCh38, chr5:93,585,297, plus strand): 5'-CAGGGCCCGCCCGGTTCGGGCCAGAGCCAGCAGCACATCGAGTGCGTGGTGTGCGGGGAC[A>T]AGTCGAGCGGCAAGCACTACGGCCAATTCACCTGCGAGGGCTGCAAAAGTTTCTTCAAGA-3'

ClinVar aggregate classification (germline): Pathogenic (1 of 4 stars; one submission).

Conditions:
Bosch-Boonstra-Schaaf optic atrophy syndrome (BBSOAS). Also called: NR2F1-Related Neurodevelopmental Disorder. Identifiers: Orphanet 401777, MedGen C3810363, MONDO:0014320, OMIM 615722.

Submission:

Victorian Clinical Genetics Services, Murdoch Childrens Research Institute
Classification: Pathogenic for Bosch-Boonstra-Schaaf optic atrophy syndrome. Last evaluated: 2023-07-17. Review status: criteria provided, single submitter. Criteria: ACMG Guidelines, 2015. Collection method: clinical testing. Allele origin: germline. Inheritance: Autosomal dominant inheritance. Affected: yes.
Comment: Based on the classification scheme VCGS_Germline_v1.3.4, this variant is classified as Pathogenic. Following criteria are met: 0102 - Loss of function is a known mechanism of disease in this gene and is associated with Bosch-Boonstra-Schaaf optic atrophy syndrome (MIM#615722). Dominant negative has also been proposed as a likely mechanism for some missense variants found in the DNA-binding domain (PMID: 26986877). (I) 0107 - This gene is associated with autosomal dominant disease. (I) 0201 - Variant is predicted to cause nonsense-mediated decay (NMD) and loss of protein (premature termination codon is located at least 54 nucleotides upstream of the final exon-exon junction). (SP) 0251 - This variant is heterozygous. (I) 0301 - Variant is absent from gnomAD (both v2 and v3). (SP) 0701 - Other NMD predicted variants comparable to the one identified in this case have very strong previous evidence for pathogenicity (DECIPHER). (SP) 0807 - This variant has no previous evidence of pathogenicity. (I) 0905 - No published segregation evidence has been identified for this variant. (I) 1007 - No published functional evidence has been identified for this variant. (SP) Legend: (SP) - Supporting pathogenic, (I) - Information, (SB) - Supporting benign

Literature cited by the submitters: PubMed 26986877.